The following is an entry in ClinVar:

NM_001102564.3(IFT43):c.455T>C (p.Ile152Thr)

Gene: IFT43 (intraflagellar transport 43; plus strand). Cytogenetic location: 14q24.3.
Variant type: single nucleotide variant.
Coding change: c.455T>C on transcript NM_001102564.3 (MANE Select); coding-DNA position 455, T replaced by C.
Protein change: p.Ile152Thr; replaces isoleucine 152 with threonine.
Molecular consequence: missense variant. On other transcripts: non-coding transcript variant (2).
Genome position (GRCh38, 1-based): chr14:76,083,237, T>C. VCF-style: chr14-76083237-T-C. GRCh37 (hg19) VCF-style: chr14-76549580-T-C.
Other names: c.470T>C, p.Ile157Thr (NM_052873.3); short protein forms I152T, I157T.
Identifiers: ClinVar variation 1375920 (VCV001375920.4), dbSNP rs755594860, ClinGen allele CA7280906.
Genomic context (GRCh38, chr14:76,083,237, plus strand): 5'-TGAAAGCCCTCAAGGTGCTCAGCCTGACCTTTTTTTGTTTGCATTCACAGGATGGGGAGA[T>C]CGACCTGAAACTCCTCACCAAAGTGCTCGCGCCGGAGCACGAAGTCCGGGAGGTACAGTG-3'
Protein context (NP_001096034.1, residues 142-162): YSAIQTLDGE[Ile152Thr]DLKLLTKVLA

ClinVar aggregate classification (germline): Uncertain significance (1 of 4 stars; one submission).

Allele frequency attached by ClinVar (database versions not stated): ExAC 0.00001; gnomAD exomes 0.00001.
gnomAD v4.1: 5 of 1,614,080 alleles (0.00031%); highest among the groups gnomAD compares: South Asian, 0.0055%; no homozygotes.

Submission:

Labcorp Genetics (formerly Invitae), Labcorp
Classification: Uncertain significance. Last evaluated: 2022-06-20. Review status: criteria provided, single submitter. Criteria: Invitae Variant Classification Sherloc (09022015). Collection method: clinical testing. Allele origin: germline.
Comment: In summary, the available evidence is currently insufficient to determine the role of this variant in disease. Therefore, it has been classified as a Variant of Uncertain Significance. Algorithms developed to predict the effect of missense changes on protein structure and function are either unavailable or do not agree on the potential impact of this missense change (SIFT: "Deleterious"; PolyPhen-2: "Possibly Damaging"; Align-GVGD: "Class C15"). This variant has not been reported in the literature in individuals affected with IFT43-related conditions. This variant is present in population databases (rs755594860, gnomAD 0.006%). This sequence change replaces isoleucine, which is neutral and non-polar, with threonine, which is neutral and polar, at codon 157 of the IFT43 protein (p.Ile157Thr).